The following is an entry in ClinVar:

ClinVar aggregate classification (germline): Conflicting classifications of pathogenicity. Review status: criteria provided, conflicting classifications (1 of 4 stars). 7 submissions from 7 submitters: Pathogenic (3); Likely pathogenic (2); Uncertain significance (1). 1 of the submissions does not count toward it. Last evaluated 2025-05-08.

Conditions:
RPL35A-related disorder. Also called: RPL35A-related condition.
Diamond-Blackfan anemia 5 (DBA5). Also called: RPL35A-Related Diamond-Blackfan Anemia. Identifiers: Orphanet 124, MedGen C2675859, MONDO:0012925, OMIM 612528.

Submissions (7):

3billion
Classification: Pathogenic for Diamond-Blackfan anemia 5. Last evaluated: 2025-05-08. Review status: criteria provided, single submitter. Criteria: ACMG Guidelines, 2015. Collection method: clinical testing. Allele origin: germline. Affected: yes.
Comment: The variant is not observed in the gnomAD v4.1.0 dataset. Predicted Consequence/Location: Inframe deletion located in a nonrepeat region: predicted to change the length of the protein and disrupt normal protein function. The variant has been observed in multiple (>3) similarly affected unrelated individuals (PMID: 28102861, 32241839). The variant has been reported at least twice as pathogenic with clinical assertions and evidence for the classification (ClinVar ID: VCV000013002 /PMID: 18535205 /3billion dataset). Therefore, this variant is classified as Pathogenic according to the recommendation of ACMG/AMP guideline.

Labcorp Genetics (formerly Invitae), Labcorp
Classification: Uncertain significance for Diamond-Blackfan anemia 5. Last evaluated: 2024-08-06. Review status: criteria provided, single submitter. Criteria: Invitae Variant Classification Sherloc (09022015). Collection method: clinical testing. Allele origin: germline.
Comment: This variant, c.82_84del, results in the deletion of 1 amino acid(s) of the RPL35A protein (p.Leu28del), but otherwise preserves the integrity of the reading frame. This variant is not present in population databases (gnomAD no frequency). This variant has been observed in individuals with clinical features of Diamond-Blackfan anemia (PMID: 18535205, 28102861, 33718801, 37376976). This variant is also known as c.78_80delTCT. ClinVar contains an entry for this variant (Variation ID: 13002). Experimental studies and prediction algorithms are not available or were not evaluated, and the functional significance of this variant is currently unknown. In summary, the available evidence is currently insufficient to determine the role of this variant in disease. Therefore, it has been classified as a Variant of Uncertain Significance.

Genomic Medicine Center of Excellence, King Faisal Specialist Hospital and Research Centre
Classification: Likely pathogenic for Diamond-Blackfan anemia 5. Last evaluated: 2024-04-04. Review status: criteria provided, single submitter. Criteria: ACMG Guidelines, 2015. Collection method: clinical testing. Allele origin: germline.

Blueprint Genetics
Classification: Pathogenic for RPL35A-related disorders. Last evaluated: 2022-07-27. Review status: criteria provided, single submitter. Criteria: ACMG Guidelines, 2015. Collection method: clinical testing. Allele origin: de novo. Affected: yes. Observed: 4 variant alleles.

CeGaT Center for Human Genetics Tuebingen
Classification: Pathogenic. Last evaluated: 2022-03-01. Review status: criteria provided, single submitter. Criteria: CeGaT Center For Human Genetics Tuebingen Variant Classification Criteria Version 2. Collection method: clinical testing. Allele origin: germline. Affected: yes. Observed: 1 variant allele.
Comment: RPL35A: PP4:Strong, PM2, PM4, PS4:Moderate, PP1

GeneDx
Classification: Likely pathogenic. Last evaluated: 2017-11-10. Review status: criteria provided, single submitter. Criteria: GeneDx Variant Classification (06012015). Collection method: clinical testing. Allele origin: germline. Affected: yes.
Comment: The c.82_84delCTT variant has been published as a pathogenic variant in one individual with Diamond-Blackfan anemia (Farrar et al., 2008). The variant is not observed in large population cohorts (Lek et al., 2016). The c.82_84delCTT variant causes an in-frame deletion of Leucine 28. In-silico analyses, including protein predictors and evolutionary conservation, support a deleterious effect. In summary, this variant is likely pathogenic; however, the possibility that it is benign cannot be excluded.

OMIM
Classification: Pathogenic for DIAMOND-BLACKFAN ANEMIA 5. Last evaluated: 2008-09-01. Review status: no assertion criteria provided. Collection method: literature only. Allele origin: germline. Not counted in ClinVar's aggregate classification.

Literature cited by the submitters: PubMed 28102861 (cited by 3billion and Labcorp Genetics (formerly Invitae), Labcorp); PubMed 18535205 (cited by 3 submitters); PubMed 32241839 (cited by 3billion); PubMed 33718801 (cited by Labcorp Genetics (formerly Invitae), Labcorp); PubMed 37376976 (cited by Labcorp Genetics (formerly Invitae), Labcorp).

NM_000996.4(RPL35A):c.79CTT[1] (p.Leu28del)

Genes: DRC9 (dynein regulatory complex subunit 9; minus strand), RPL35A (ribosomal protein L35a; plus strand). Cytogenetic location: 3q29.
Variant type: Microsatellite.
Coding change: c.79CTT[1] on transcript NM_000996.4 (MANE Select); one copy of the 3-base unit CTT starting at c.79; the reference has two copies in a row; one copy, 3 bases deleted; also written c.82_84del.
Protein change: p.Leu28del; deletes leucine 28.
Molecular consequence: inframe deletion. On other transcripts: intron variant (3).
Genome position (GRCh38, 1-based): chr3:197,951,229-197,951,231, CTT deleted; deleting any 3 consecutive bases within chr3:197,951,225-197,951,231 gives the same sequence; the position shown is the placement nearest the transcript's 3' end. VCF-style (leftmost placement, unchanged base first): chr3-197951224-CTCT-C. GRCh37 (hg19) VCF-style: chr3-197678095-CTCT-C.
Other names: c.79CTT[1], p.Leu28del (NM_001316311.2); c.-49-7176_-49-7174del (NM_001323028.2); c.-59-5541_-59-5539del (NM_032263.5); c.-374-5541_-374-5539del (NM_001323029.2); c.82_84del (NM_000996.4); short protein forms L28del.
Identifiers: ClinVar variation 13002 (VCV000013002.41), dbSNP rs116840807, ClinGen allele CA341248.